The following is an entry in ClinVar:

NM_000059.4(BRCA2):c.5218_5224del (p.Leu1740fs)

Gene: BRCA2 (BRCA2 DNA repair associated; plus strand). Cytogenetic location: 13q13.1.
Variant type: Deletion.
Coding change: c.5218_5224del on transcript NM_000059.4 (MANE Select); coding-DNA positions 5218 to 5224, 7 bases deleted (TTAAGTA; older notation c.5218_5224delTTAAGTA).
Protein change: p.Leu1740fs; shifts the reading frame from leucine 1740.
Molecular consequence: frameshift variant.
Genome position (GRCh38, 1-based): chr13:32,339,573-32,339,579, TTAAGTA deleted. VCF-style (leftmost placement, unchanged base first): chr13-32339572-TTTAAGTA-T. GRCh37 (hg19) VCF-style: chr13-32913709-TTTAAGTA-T.
Other names: 5446delTTAAGTA; c.5218_5224delTTAAGTA (NM_000059.3).
Identifiers: ClinVar variation 266863 (VCV000266863.5), dbSNP rs886040580, ClinGen allele CA10589300.

ClinVar aggregate classification (germline): Pathogenic. Review status: reviewed by expert panel (3 of 4 stars). 3 submissions from 3 submitters: Pathogenic (1). 2 of the submissions do not count toward it. Last evaluated 2016-10-18.

Conditions:
Breast-ovarian cancer, familial, susceptibility to, 2 (BROVCA2). Also called: BRCA2 Hereditary Breast and Ovarian Cancer. Identifiers: Orphanet 145, MedGen C2675520, MONDO:0012933, OMIM 612555. Disease mechanism: loss of function.
Hereditary breast ovarian cancer syndrome. Also called: BRCA1- and BRCA2-Associated Hereditary Breast and Ovarian Cancer; Hereditary breast and ovarian cancer; Breast and ovarian cancer; Hereditary breast and/or ovarian cancer syndrome; Hereditary breast and ovarian cancer syndrome; Hereditary breast and ovarian cancer syndrome (HBOC). Identifiers: Orphanet 145, MedGen C0677776, MeSH D061325, MONDO:0003582. Disease mechanism: loss of function.

Submissions (3):

Evidence-based Network for the Interpretation of Germline Mutant Alleles (ENIGMA)
Classification: Pathogenic for Breast-ovarian cancer, familial, susceptibility to, 2. Last evaluated: 2016-10-18. Review status: reviewed by expert panel. Criteria: ENIGMA BRCA1/2 Classification Criteria (2015). Collection method: curation. Allele origin: germline.
Comment: Variant allele predicted to encode a truncated non-functional protein.

Consortium of Investigators of Modifiers of BRCA1/2 (CIMBA), c/o University of Cambridge
Classification: Pathogenic for Breast-ovarian cancer, familial, susceptibility to, 2. Last evaluated: 2015-10-02. Review status: criteria provided, single submitter. Criteria: CIMBA Mutation Classification guidelines May 2016. Collection method: clinical testing. Allele origin: germline. Not counted in ClinVar's aggregate classification.

Research Molecular Genetics Laboratory, Women's College Hospital, University of Toronto
Classification: Pathogenic for Hereditary breast ovarian cancer syndrome. Last evaluated: 2014-01-31. Review status: no assertion criteria provided. Collection method: research. Allele origin: germline. Affected: yes. Study: The Canadian Open Genetics Repository (COGR). Not counted in ClinVar's aggregate classification.